The following is an entry in ClinVar:

ClinVar aggregate classification (germline): Uncertain significance (1 of 4 stars; one submission).

Submission:

GeneDx
Classification: Uncertain significance. Last evaluated: 2014-09-17. Review status: criteria provided, single submitter. Criteria: GeneDx Variant Classification (06012015). Collection method: clinical testing. Allele origin: germline. Affected: yes.
Comment: This variant is denoted APC c.136-15T>A or IVS2-15T>A and consists of a T>A nucleotide substitution at the -15 position of intron 2 of the APC gene. Multiple in silico models predict this variant to weaken the nearby natural acceptor site, and to possibly cause abnormal gene splicing. This variant has not, to our knowledge, been published in the literature as pathogenic or benign. APC c.136-15T>A was not observed in approximately 6,500 individuals of European and African American ancestry in the NHLBI Exome Sequencing Project, indicating it is not a common benign variant in these populations. The thymine (T) nucleotide that is altered is well conserved through mammals. Based on currently available information, it is unclear whether APC c.136-15T>A is pathogenic or benign. We consider it to be a variant of uncertain significance.

NM_000038.6(APC):c.136-15T>A

Gene: APC (APC regulator of WNT signaling pathway; plus strand). Cytogenetic location: 5q22.2.
Variant type: single nucleotide variant.
Coding change: c.136-15T>A on transcript NM_000038.6 (MANE Select); 15 bases into the intron before coding-DNA position 136, T replaced by A.
Molecular consequence: intron variant.
Genome position (GRCh38, 1-based): chr5:112,766,311, T>A. VCF-style: chr5-112766311-T-A. GRCh37 (hg19) VCF-style: chr5-112102008-T-A.
Other names: c.136-15T>A (NM_001354896.2, NM_001354903.2, NM_001354899.2 and 2 more transcripts); c.-42-15T>A (NM_001354900.2, NM_001354901.2, NM_001354905.2); c.166-15T>A (NM_001354897.2, NM_001354902.2, NM_001127511.3); c.61-15T>A (NM_001354898.2, NM_001354904.2); c.-900-15T>A (NM_001354906.2).
Identifiers: ClinVar variation 181830 (VCV000181830.2), dbSNP rs730881271, ClinGen allele CA004494.